The following is an entry in ClinVar:

ClinVar aggregate classification (germline): Uncertain significance (1 of 4 stars; one submission).

Submission:

Illumina Laboratory Services, Illumina
Classification: Uncertain significance. Last evaluated: 2019-05-13. Review status: criteria provided, single submitter. Criteria: ICSL CNVClassificationCriteria Aug2020. Collection method: clinical testing. Allele origin: unknown.
Comment: This CNV is an inherited 791 kb deletion of 10q23.1, on chromosome 10, (seq[GRCh37]del(10)(q23.1); chr10:g.82028518_82819271del), and constitutes a gain encompassing six genes. Patients with similar gains in this region have not been reported in the peer-reviewed literature. There are no deletions of similar size and position reported in the publicly available databases. Based on the limited evidence currently available, this CNV is classified as a variant of uncertain significance.

GRCh37/hg19 10q23.1(chr10:82028518-82819271)x1

Genes: DYDC1 (DPY30 domain containing 1; minus strand), DYDC2 (DPY30 domain containing 2; plus strand), MAT1A (methionine adenosyltransferase 1A; minus strand), PRXL2A (peroxiredoxin like 2A; plus strand), SH2D4B (SH2 domain containing 4B; plus strand) and 1 more. Cytogenetic location: 10q23.1.
Variant type: copy number loss.
Change: copy number 1 (one copy instead of two) of chr10:82,028,518-82,819,271 (790.8 kb, GRCh37 coordinates, 1-based), cytogenetic band 10q23.1.
Identifiers: ClinVar variation 988906 (VCV000988906.4).